The following is an entry in ClinVar:

ClinVar aggregate classification (germline): Uncertain significance (1 of 4 stars; one submission).

Conditions:
Inborn genetic diseases. Identifiers: MedGen C0950123, MeSH D030342.

Submission:

Ambry Genetics
Classification: Uncertain significance for Inborn genetic diseases. Last evaluated: 2025-12-07. Review status: criteria provided, single submitter. Criteria: Ambry Variant Classification Scheme 2023. Collection method: clinical testing. Allele origin: germline.
Comment: The p.Q918P variant (also known as c.2753A>C), located in coding exon 12 of the BMPR2 gene, results from an A to C substitution at nucleotide position 2753. The glutamine at codon 918 is replaced by proline, an amino acid with similar properties. This amino acid position is conserved. In addition, the in silico prediction for this alteration is inconclusive. Based on the available evidence, the clinical significance of this variant remains unclear.

NM_001204.7(BMPR2):c.2753A>C (p.Gln918Pro)

Gene: BMPR2 (bone morphogenetic protein receptor type 2; plus strand). Cytogenetic location: 2q33.2.
Variant type: single nucleotide variant.
Coding change: c.2753A>C on transcript NM_001204.7 (MANE Select); coding-DNA position 2753, A replaced by C.
Protein change: p.Gln918Pro; replaces glutamine 918 with proline.
Molecular consequence: missense variant.
Genome position (GRCh38, 1-based): chr2:202,556,418, A>C. VCF-style: chr2-202556418-A-C. GRCh37 (hg19) VCF-style: chr2-203421141-A-C.
Other names: short protein forms Q918P.
Identifiers: ClinVar variation 4598072 (VCV004598072.1).
Genomic context (GRCh38, chr2:202,556,418, plus strand): 5'-GCCGAACTAATTCCAATAACAACAACAGCAATCCATGTTCAGAACAAGATGTTCTTGCAC[A>C]GGGTGTTCCAAGCACAGCAGCAGATCCTGGGCCATCAAAGCCCAGAAGAGCACAGAGGCC-3'
Protein context (NP_001195.2, residues 908-928): NPCSEQDVLA[Gln918Pro]GVPSTAADPG